The following is an entry in ClinVar:

ClinVar aggregate classification (germline): Uncertain significance (1 of 4 stars; one submission).

Allele frequency attached by ClinVar (database versions not stated): TOPMed below 0.00001; gnomAD exomes 0.00001.
gnomAD v4.1: 9 of 1,613,294 alleles (0.00056%); highest among the groups gnomAD compares: Non-Finnish European, 0.00076%; no homozygotes.

Submission:

Labcorp Genetics (formerly Invitae), Labcorp
Classification: Uncertain significance. Last evaluated: 2024-10-23. Review status: criteria provided, single submitter. Criteria: Invitae Variant Classification Sherloc (09022015). Collection method: clinical testing. Allele origin: germline.
Comment: This sequence change replaces threonine, which is neutral and polar, with isoleucine, which is neutral and non-polar, at codon 783 of the NUP107 protein (p.Thr783Ile). This variant is not present in population databases (gnomAD no frequency). This variant has not been reported in the literature in individuals affected with NUP107-related conditions. ClinVar contains an entry for this variant (Variation ID: 2114256). An algorithm developed to predict the effect of missense changes on protein structure and function outputs the following: PolyPhen-2: "Benign". The isoleucine amino acid residue is found in multiple mammalian species, which suggests that this missense change does not adversely affect protein function. In summary, the available evidence is currently insufficient to determine the role of this variant in disease. Therefore, it has been classified as a Variant of Uncertain Significance.

NM_020401.4(NUP107):c.2348C>T (p.Thr783Ile)

Gene: NUP107 (nucleoporin 107; plus strand). Cytogenetic location: 12q15.
Variant type: single nucleotide variant.
Coding change: c.2348C>T on transcript NM_020401.4 (MANE Select); coding-DNA position 2348, C replaced by T.
Protein change: p.Thr783Ile; replaces threonine 783 with isoleucine.
Molecular consequence: missense variant.
Genome position (GRCh38, 1-based): chr12:68,734,793, C>T. VCF-style: chr12-68734793-C-T. GRCh37 (hg19) VCF-style: chr12-69128573-C-T.
Other names: c.2261C>T, p.Thr754Ile (NM_001330192.2); short protein forms T754I, T783I.
Identifiers: ClinVar variation 2114256 (VCV002114256.4), dbSNP rs1877995157, ClinGen allele CA385699111.
Genomic context (GRCh38, chr12:68,734,793, plus strand): 5'-GGTTTAAGCATATGAATTCAGTTCCACAAAAACCTGCTTTGATACCTCAACCAACTTTTA[C>T]TGAGAAAGTGGCTCATGAACACAAAGAAAAGAAATATGAAGTAAGTTAAATATGGATCTA-3'
Protein context (NP_065134.1, residues 773-793): KPALIPQPTF[Thr783Ile]EKVAHEHKEK